The following is an entry in ClinVar:

ClinVar aggregate classification (germline): Benign (1 of 4 stars; one submission).

Conditions:
Familial cancer of breast. Also called: BREAST CANCER, FAMILIAL; Hereditary breast cancer; hereditary breast carcinoma. Identifiers: Orphanet 227535, MedGen C0346153, MONDO:0016419, OMIM 114480. Disease mechanism: loss of function.

Submission:

Myriad Genetics, Inc.
Classification: Benign for Familial cancer of breast. Last evaluated: 2024-05-23. Review status: criteria provided, single submitter. Criteria: Myriad Autosomal Dominant, Autosomal Recessive and X-Linked Classification Criteria (2023). Collection method: clinical testing. Allele origin: unknown.
Comment: This variant is considered benign. This variant is a silent/synonymous amino acid change and it is not expected to impact splicing.

NM_000051.4(ATM):c.5547T>A (p.Ile1849=)

Gene: ATM (ATM serine/threonine kinase; plus strand). Cytogenetic location: 11q22.3.
Variant type: single nucleotide variant.
Coding change: c.5547T>A on transcript NM_000051.4 (MANE Select); coding-DNA position 5547, T replaced by A.
Protein change: p.Ile1849=; no amino-acid change (isoleucine 1849 retained).
Molecular consequence: synonymous variant.
Genome position (GRCh38, 1-based): chr11:108,304,725, T>A. VCF-style: chr11-108304725-T-A. GRCh37 (hg19) VCF-style: chr11-108175452-T-A.
Other names: c.5547T>A, p.Ile1849= (NM_001351834.2).
Identifiers: ClinVar variation 3253850 (VCV003253850.1), dbSNP rs2135943485.
Genomic context (GRCh38, chr11:108,304,725, plus strand): 5'-TATATTCTAGGTGAAAACTGACTTTTGTCAGACTGTACTTCCATACTTGATTCATGATAT[T>A]TTACTCCAAGATACAAATGAATCATGGAGAAATCTGCTTTCTACACATGTTCAGGGATTT-3'
Protein context (NP_000042.3, residues 1839-1859): QTVLPYLIHD[Ile1849=]LLQDTNESWR